The following is an entry in ClinVar:

ClinVar aggregate classification (germline): Pathogenic (1 of 4 stars; one submission).

Conditions:
Ethylmalonic encephalopathy (EE). Also called: EPEMA syndrome; Encephalopathy, petechiae, and ethylmalonic aciduria; Syndrome of encephalopathy, petechiae, and ethylmalonic aciduria. Identifiers: Orphanet 51188, MedGen C1865349, MONDO:0011229, OMIM 602473. Disease mechanism: loss of function.

Submission:

Labcorp Genetics (formerly Invitae), Labcorp
Classification: Pathogenic for Ethylmalonic encephalopathy. Last evaluated: 2024-01-05. Review status: criteria provided, single submitter. Criteria: Invitae Variant Classification Sherloc (09022015). Collection method: clinical testing. Allele origin: germline.
Comment: This sequence change creates a premature translational stop signal (p.Arg43Serfs*7) in the ETHE1 gene. It is expected to result in an absent or disrupted protein product. Loss-of-function variants in ETHE1 are known to be pathogenic (PMID: 14732903, 19136963). This variant is not present in population databases (gnomAD no frequency). This variant has not been reported in the literature in individuals affected with ETHE1-related conditions. For these reasons, this variant has been classified as Pathogenic.

Literature cited by the submitters: PubMed 14732903; PubMed 19136963.

NM_014297.5(ETHE1):c.129_132del (p.Arg43fs)

Gene: ETHE1 (ETHE1 persulfide dioxygenase; minus strand). Cytogenetic location: 19q13.31.
Variant type: Microsatellite.
Coding change: c.129_132del on transcript NM_014297.5 (MANE Select); coding-DNA positions 129 to 132, 4 bases deleted (AGAG; older notation c.129_132delAGAG).
Protein change: p.Arg43fs; shifts the reading frame from arginine 43.
Molecular consequence: frameshift variant. On other transcripts: 5 prime UTR variant (1), intron variant (1).
Genome position (GRCh38, 1-based): chr19:43,526,609-43,526,612, CTCT deleted on the plus strand (AGAG on the coding strand, the reverse complement: ETHE1 is on the minus strand); deleting any 4 consecutive bases within chr19:43,526,609-43,526,614 gives the same sequence; the c. name uses the placement nearest the transcript's 3' end. VCF-style (leftmost placement, unchanged base first): chr19-43526608-ACTCT-A. GRCh37 (hg19) VCF-style: chr19-44030760-ACTCT-A.
Other names: c.129_132del, p.Arg43fs (NM_001320867.2); c.-94AG[1] (NM_001320868.2); c.81+485_81+488del (NM_001320869.2); short protein forms R43fs.
Identifiers: ClinVar variation 2802892 (VCV002802892.3), dbSNP rs761827730, ClinGen allele CA2739276876.